The following is an entry in ClinVar:

NM_001904.4(CTNNB1):c.499G>T (p.Val167Leu)

Genes: CTNNB1 (catenin beta 1; plus strand), LOC126806658 (BRD4-independent group 4 enhancer GRCh37_chr3:41265899-41267098; plus strand). Cytogenetic location: 3p22.1.
Variant type: single nucleotide variant.
Coding change: c.499G>T on transcript NM_001904.4 (MANE Select); coding-DNA position 499, G replaced by T.
Protein change: p.Val167Leu; replaces valine 167 with leucine.
Molecular consequence: missense variant.
Genome position (GRCh38, 1-based): chr3:41,225,337, G>T. VCF-style: chr3-41225337-G-T. GRCh37 (hg19) VCF-style: chr3-41266828-G-T.
Other names: c.499G>T, p.Val167Leu (NM_001098209.2, NM_001098210.2); c.478G>T, p.Val160Leu (NM_001330729.2); short protein forms V160L, V167L.
Identifiers: ClinVar variation 2497849 (VCV002497849.1), dbSNP rs2125622110, ClinGen allele CA352229444.

ClinVar aggregate classification (germline): Uncertain significance (1 of 4 stars; one submission).

Allele frequency attached by ClinVar (database versions not stated): gnomAD exomes below 0.00001.

Submission:

GeneDx
Classification: Uncertain significance. Last evaluated: 2022-10-03. Review status: criteria provided, single submitter. Criteria: GeneDx Variant Classification Process June 2021. Collection method: clinical testing. Allele origin: germline. Affected: yes.
Comment: Not observed at significant frequency in large population cohorts (gnomAD); In silico analysis supports that this missense variant has a deleterious effect on protein structure/function; Has not been previously published as pathogenic or benign to our knowledge